The following is an entry in ClinVar:

NM_000448.3(RAG1):c.1970C>T (p.Pro657Leu)

Gene: RAG1 (recombination activating 1; plus strand). Cytogenetic location: 11p12.
Variant type: single nucleotide variant.
Coding change: c.1970C>T on transcript NM_000448.3 (MANE Select); coding-DNA position 1970, C replaced by T.
Protein change: p.Pro657Leu; replaces proline 657 with leucine.
Molecular consequence: missense variant.
Genome position (GRCh38, 1-based): chr11:36,575,274, C>T. VCF-style: chr11-36575274-C-T. GRCh37 (hg19) VCF-style: chr11-36596824-C-T.
Other names: c.1970C>T, p.Pro657Leu (NM_001377277.1, NM_001377278.1, NM_001377279.1 and 1 more transcripts); short protein forms P657L.
Identifiers: ClinVar variation 2107158 (VCV002107158.4), dbSNP rs2133296675, ClinGen allele CA380153711.

ClinVar aggregate classification (germline): Uncertain significance (1 of 4 stars; one submission).

Conditions:
Combined immunodeficiency with skin granulomas. Identifiers: Orphanet 157949, MedGen C2673536, MONDO:0009306, OMIM 233650.
Severe combined immunodeficiency, autosomal recessive, T cell-negative, B cell-negative, NK cell-positive. Also called: SCID, T CELL-NEGATIVE, B CELL-NEGATIVE, NK CELL-POSITIVE; SCID, AR, T-cell negative, B-cell negative, NK cell-positive; Severe combined immunodeficiency due to complete RAG1/2 deficiency. Identifiers: Orphanet 331206, MedGen C1832322, MONDO:0011086, OMIM 601457.

Submission:

Labcorp Genetics (formerly Invitae), Labcorp
Classification: Uncertain significance for Combined immunodeficiency with skin granulomas; Severe combined immunodeficiency, autosomal recessive, T cell-negative, B cell-negative, NK cell-positive. Last evaluated: 2022-05-10. Review status: criteria provided, single submitter. Criteria: Invitae Variant Classification Sherloc (09022015). Collection method: clinical testing. Allele origin: germline.
Comment: In summary, the available evidence is currently insufficient to determine the role of this variant in disease. Therefore, it has been classified as a Variant of Uncertain Significance. Advanced modeling of protein sequence and biophysical properties (such as structural, functional, and spatial information, amino acid conservation, physicochemical variation, residue mobility, and thermodynamic stability) performed at Invitae indicates that this missense variant is expected to disrupt RAG1 protein function. This missense change has been observed in individual(s) with severe combined immunodeficiency (Invitae). This variant is not present in population databases (gnomAD no frequency). This sequence change replaces proline, which is neutral and non-polar, with leucine, which is neutral and non-polar, at codon 657 of the RAG1 protein (p.Pro657Leu).